The following is an entry in ClinVar:

NM_015665.6(AAAS):c.1205T>C (p.Met402Thr)

Gene: AAAS (aladin WD repeat nucleoporin; minus strand). Cytogenetic location: 12q13.13.
Variant type: single nucleotide variant.
Coding change: c.1205T>C on transcript NM_015665.6 (MANE Select); coding-DNA position 1205, T replaced by C.
Protein change: p.Met402Thr; replaces methionine 402 with threonine.
Molecular consequence: missense variant.
Genome position (GRCh38, 1-based): chr12:53,308,326, A>G on the plus strand (T>C on the coding strand, the complement: AAAS is on the minus strand). VCF-style: chr12-53308326-A-G. GRCh37 (hg19) VCF-style: chr12-53702110-A-G.
Other names: c.1106T>C, p.Met369Thr (NM_001173466.2); short protein forms M369T, M402T.
Identifiers: ClinVar variation 3371054 (VCV003371054.1).

ClinVar aggregate classification (germline): Uncertain significance (1 of 4 stars; one submission).

gnomAD v4.1: 2 of 1,614,148 alleles (0.00012%); highest among the groups gnomAD compares: Non-Finnish European, 0.00017%; no homozygotes.

Submission:

GeneDx
Classification: Uncertain significance. Last evaluated: 2024-04-01. Review status: criteria provided, single submitter. Criteria: GeneDx Variant Classification Process June 2021. Collection method: clinical testing. Allele origin: germline. Affected: yes.
Comment: Not observed at significant frequency in large population cohorts (gnomAD); In silico analysis supports that this missense variant has a deleterious effect on protein structure/function; Has not been previously published as pathogenic or benign to our knowledge